The following is an entry in ClinVar:

ClinVar aggregate classification (germline): Uncertain significance (1 of 4 stars; one submission).

gnomAD v4.1: 1 of 1,613,452 alleles (0.000062%); no homozygotes.

Submission:

Ambry Genetics
Classification: Uncertain significance. Last evaluated: 2022-04-22. Review status: criteria provided, single submitter. Criteria: Ambry Variant Classification Scheme 2023. Collection method: clinical testing. Allele origin: germline.
Comment: The p.Q406R variant (also known as c.1217A>G), located in coding exon 3 of the ALPK2 gene, results from an A to G substitution at nucleotide position 1217. The glutamine at codon 406 is replaced by arginine, an amino acid with highly similar properties. This amino acid position is conserved. In addition, this alteration is predicted to be tolerated by in silico analysis. Since supporting evidence is limited at this time, the clinical significance of this alteration remains unclear.

NM_052947.4(ALPK2):c.1217A>G (p.Gln406Arg)

Genes: ALPK2 (alpha kinase 2; minus strand), LOC114803473 (ALPK2 eExon liver enhancer; plus strand). Cytogenetic location: 18q21.31.
Variant type: single nucleotide variant.
Coding change: c.1217A>G on transcript NM_052947.4 (MANE Select); coding-DNA position 1217, A replaced by G.
Protein change: p.Gln406Arg; replaces glutamine 406 with arginine.
Molecular consequence: missense variant.
Genome position (GRCh38, 1-based): chr18:58,579,559, T>C on the plus strand (A>G on the coding strand, the complement: ALPK2 is on the minus strand). VCF-style: chr18-58579559-T-C. GRCh37 (hg19) VCF-style: chr18-56246791-T-C.
Other names: short protein forms Q406R.
Identifiers: ClinVar variation 1751893 (VCV001751893.2), dbSNP rs2518899303, ClinGen allele CA402564065.